The following is an entry in ClinVar:

ClinVar aggregate classification (germline): Uncertain significance. Review status: criteria provided, single submitter (1 of 4 stars). 2 submissions from 2 submitters: Uncertain significance (1). 1 of the submissions does not count toward it. Last evaluated 2025-05-19.

Conditions:
PLXNA3-related disorder. Also called: PLXNA3-related condition.

Allele frequency attached by ClinVar (database versions not stated): gnomAD exomes 0.00002; gnomAD 0.00003; TOPMed 0.00004; ExAC 0.00013; 1000 Genomes Project 30x 0.00021; 1000 Genomes Project 0.00026.
gnomAD v4.1: 38 of 1,208,041 alleles (0.0031%); highest among the groups gnomAD compares: East Asian, 0.027%; no homozygotes.

Submissions (2):

Ambry Genetics
Classification: Uncertain significance. Last evaluated: 2025-05-19. Review status: criteria provided, single submitter. Criteria: Ambry Variant Classification Scheme 2023. Collection method: clinical testing. Allele origin: germline.

PreventionGenetics, part of Exact Sciences
Classification: Uncertain significance for PLXNA3-related condition. Last evaluated: 2024-07-08. Review status: no assertion criteria provided. Collection method: clinical testing. Allele origin: germline. Not counted in ClinVar's aggregate classification.
Comment: The PLXNA3 c.1627C>T variant is predicted to result in the amino acid substitution p.Arg543Trp. To our knowledge, this variant has not been reported in the literature. This variant is reported in 0.052% of alleles in individuals of East Asian descent in gnomAD, including two hemizygous individuals. Although we suspect that this variant may be benign, at this time, the clinical significance of this variant is uncertain due to the absence of conclusive functional and genetic evidence.

NM_017514.5(PLXNA3):c.1627C>T (p.Arg543Trp)

Gene: PLXNA3 (plexin A3; plus strand). Cytogenetic location: Xq28.
Variant type: single nucleotide variant.
Coding change: c.1627C>T on transcript NM_017514.5 (MANE Select); coding-DNA position 1627, C replaced by T.
Protein change: p.Arg543Trp; replaces arginine 543 with tryptophan.
Molecular consequence: missense variant.
Genome position (GRCh38, 1-based): chrX:154,464,030, C>T. VCF-style: chrX-154464030-C-T. GRCh37 (hg19) VCF-style: chrX-153692373-C-T.
Other names: short protein forms R543W.
Identifiers: ClinVar variation 2465443 (VCV002465443.4), dbSNP rs369262880, ClinGen allele CA10564109.